The following is an entry in ClinVar:

NM_006060.6(IKZF1):c.716-3T>C

Gene: IKZF1 (IKAROS family zinc finger 1; plus strand). Cytogenetic location: 7p12.2.
Variant type: single nucleotide variant.
Coding change: c.716-3T>C on transcript NM_006060.6 (MANE Select); 3 bases into the intron before coding-DNA position 716, T replaced by C.
Molecular consequence: intron variant.
Genome position (GRCh38, 1-based): chr7:50,391,726, T>C. VCF-style: chr7-50391726-T-C. GRCh37 (hg19) VCF-style: chr7-50459424-T-C.
Other names: c.776-3T>C (NM_001410879.1); c.329-3T>C (NM_001291839.2, NM_001220770.2); c.590-3T>C (NM_001220765.3, NM_001291837.2); c.455-3T>C (NM_001291838.2, NM_001220767.2); c.590-8192T>C (NM_001220768.2); c.422-8192T>C (NM_001220771.2); c.287-3T>C (NM_001291841.1, NM_001291842.1); c.161-3T>C (NM_001291843.1, NM_001291844.1); and 1 more.
Identifiers: ClinVar variation 2801371 (VCV002801371.3), dbSNP rs759629106, ClinGen allele CA4261381.

ClinVar aggregate classification (germline): Uncertain significance (1 of 4 stars; one submission).

Allele frequency attached by ClinVar (database versions not stated): gnomAD 0.00001; gnomAD exomes 0.00001; ExAC 0.00002; TOPMed 0.00003.
gnomAD v4.1: 17 of 1,613,762 alleles (0.0011%); highest among the groups gnomAD compares: Middle Eastern, 0.016%; no homozygotes.

Submission:

Labcorp Genetics (formerly Invitae), Labcorp
Classification: Uncertain significance. Last evaluated: 2024-08-31. Review status: criteria provided, single submitter. Criteria: Invitae Variant Classification Sherloc (09022015). Collection method: clinical testing. Allele origin: germline.
Comment: This sequence change falls in intron 6 of the IKZF1 gene. It does not directly change the encoded amino acid sequence of the IKZF1 protein. It affects a nucleotide within the consensus splice site. This variant is present in population databases (rs759629106, gnomAD 0.003%). This variant has not been reported in the literature in individuals affected with IKZF1-related conditions. Variants that disrupt the consensus splice site are a relatively common cause of aberrant splicing (PMID: 17576681, 9536098). Algorithms developed to predict the effect of sequence changes on RNA splicing suggest that this variant is not likely to affect RNA splicing. In summary, the available evidence is currently insufficient to determine the role of this variant in disease. Therefore, it has been classified as a Variant of Uncertain Significance.

Literature cited by the submitters: PubMed 17576681; PubMed 9536098.